The following is an entry in ClinVar:

NM_172107.4(KCNQ2):c.81G>A (p.Leu27=)

Gene: KCNQ2 (potassium voltage-gated channel subfamily Q member 2; minus strand). Cytogenetic location: 20q13.33.
Variant type: single nucleotide variant.
Coding change: c.81G>A on transcript NM_172107.4 (MANE Select); coding-DNA position 81, G replaced by A.
Protein change: p.Leu27=; no amino-acid change (leucine 27 retained).
Molecular consequence: synonymous variant.
Genome position (GRCh38, 1-based): chr20:63,472,383, C>T on the plus strand (G>A on the coding strand, the complement: KCNQ2 is on the minus strand). VCF-style: chr20-63472383-C-T. GRCh37 (hg19) VCF-style: chr20-62103736-C-T.
Other names: p.L27L:CTG>CTA; c.81G>A, p.Leu27= (NM_004518.6, NM_172106.3, NM_172108.5 and 1 more transcripts).
Identifiers: ClinVar variation 138038 (VCV000138038.31), dbSNP rs373897282, ClinGen allele CA291828.

ClinVar aggregate classification (germline): Benign/Likely benign. Review status: criteria provided, multiple submitters, no conflicts (2 of 4 stars). 5 submissions from 5 submitters: Benign (3); Likely benign (2). Last evaluated 2026-01-28.

Conditions:
Early-infantile DEE. Also called: Early infantile epileptic encephalopathy; Early infantile epileptic encephalopathy with suppression bursts; Ohtahara syndrome. Identifiers: Orphanet 1934, MedGen C0393706, MONDO:0800491.
Inborn genetic diseases. Identifiers: MedGen C0950123, MeSH D030342.

Allele frequency attached by ClinVar (database versions not stated): gnomAD exomes 0.00006 and 0.00008; ESP Exome Variant Server 0.00028; ExAC 0.00033; gnomAD 0.00054; TOPMed 0.00063; 1000 Genomes Project 0.00080; 1000 Genomes Project 30x 0.00109.
gnomAD v4.1: 156 of 1,536,254 alleles (0.01%); highest among the groups gnomAD compares: African/African-American, 0.2%; no homozygotes.

Submissions (5):

Labcorp Genetics (formerly Invitae), Labcorp
Classification: Benign for Early-infantile DEE. Last evaluated: 2026-01-28. Review status: criteria provided, single submitter. Criteria: Invitae Variant Classification Sherloc (09022015). Collection method: clinical testing. Allele origin: germline.

CeGaT Center for Human Genetics Tuebingen
Classification: Likely benign. Last evaluated: 2025-01-01. Review status: criteria provided, single submitter. Criteria: CeGaT Center For Human Genetics Tuebingen Variant Classification Criteria Version 2. Collection method: clinical testing. Allele origin: germline. Affected: yes. Observed: 1 variant allele.
Comment: KCNQ2: BP4, BP7

Blueprint Genetics
Classification: Benign. Last evaluated: 2024-08-21. Review status: criteria provided, single submitter. Criteria: ACMG Guidelines, 2015. Collection method: clinical testing. Allele origin: germline.

Ambry Genetics
Classification: Likely benign for Inborn genetic diseases. Last evaluated: 2017-05-31. Review status: criteria provided, single submitter. Criteria: Ambry Variant Classification Scheme 2023. Collection method: clinical testing. Allele origin: germline.

GeneDx
Classification: Benign. Last evaluated: 2014-03-25. Review status: criteria provided, single submitter. Criteria: GeneDx Variant Classification (06012015). Collection method: clinical testing. Allele origin: germline. Affected: yes.
Comment: This variant is considered likely benign or benign based on one or more of the following criteria: it is a conservative change, it occurs at a poorly conserved position in the protein, it is predicted to be benign by multiple in silico algorithms, and/or has population frequency not consistent with disease.